The following is an entry in ClinVar:

ClinVar aggregate classification (germline): Uncertain significance (1 of 4 stars; one submission).

Submission:

ISCA site 15
Classification: Uncertain significance. Last evaluated: 2011-08-12. Review status: criteria provided, single submitter. Criteria: Kaminsky et al. (Genet Med. 2011). Collection method: clinical testing. Allele origin: unknown. Affected: yes. Observed: 1 variant allele.
Comment: Copy number variation identified through the course of routine clinical cytogenomic testing in postnatal populations. Clinical assertions have been curated as described in Kaminsky et al. 2011.

GRCh38/hg38 7q11.23(chr7:75769688-76066509)x1

Genes: CCL24 (C-C motif chemokine ligand 24; minus strand), CCL26 (C-C motif chemokine ligand 26; minus strand), MDH2 (malate dehydrogenase 2; plus strand), MIR4651 (microRNA 4651; plus strand), POR (cytochrome p450 oxidoreductase; plus strand) and 22 more. Cytogenetic location: 7q11.23.
Variant type: copy number loss.
Change: copy number 1 (one copy instead of two) of chr7:75,769,688-76,066,509 (296.8 kb, GRCh38 coordinates, 1-based), cytogenetic band 7q11.23.
Identifiers: ClinVar variation 58896 (VCV000058896.1).